The following is an entry in ClinVar:

NM_145331.3(MAP3K7):c.80A>G (p.Asn27Ser)

Gene: MAP3K7 (mitogen-activated protein kinase kinase kinase 7; minus strand). Cytogenetic location: 6q15.
Variant type: single nucleotide variant.
Coding change: c.80A>G on transcript NM_145331.3 (MANE Select); coding-DNA position 80, A replaced by G.
Protein change: p.Asn27Ser; replaces asparagine 27 with serine.
Molecular consequence: missense variant.
Genome position (GRCh38, 1-based): chr6:90,586,804, T>C on the plus strand (A>G on the coding strand, the complement: MAP3K7 is on the minus strand). VCF-style: chr6-90586804-T-C. GRCh37 (hg19) VCF-style: chr6-91296523-T-C.
Other names: c.80A>G, p.Asn27Ser (NM_003188.4, NM_145332.3, NM_145333.3); short protein forms N27S.
Identifiers: ClinVar variation 4704650 (VCV004704650.1).

ClinVar aggregate classification (germline): Uncertain significance (1 of 4 stars; one submission).

gnomAD v4.1: 3 of 1,610,234 alleles (0.00019%); highest among the groups gnomAD compares: Non-Finnish European, 0.00025%; no homozygotes.

Submission:

Labcorp Genetics (formerly Invitae), Labcorp
Classification: Uncertain significance. Last evaluated: 2026-01-11. Review status: criteria provided, single submitter. Criteria: Invitae Variant Classification Sherloc (09022015). Collection method: clinical testing. Allele origin: germline.
Comment: This sequence change replaces asparagine, which is neutral and polar, with serine, which is neutral and polar, at codon 27 of the MAP3K7 protein (p.Asn27Ser). This variant is not present in population databases (gnomAD no frequency). This variant has not been reported in the literature in individuals affected with MAP3K7-related conditions. An algorithm developed to predict the effect of missense changes on protein structure and function (PolyPhen-2) suggests that this variant is likely to be tolerated. In summary, the available evidence is currently insufficient to determine the role of this variant in disease. Therefore, it has been classified as a Variant of Uncertain Significance.